The following is an entry in ClinVar:

ClinVar aggregate classification (germline): Uncertain significance (1 of 4 stars; one submission).

Allele frequency attached by ClinVar (database versions not stated): TOPMed 0.00001; ExAC 0.00002; gnomAD 0.00002; ESP Exome Variant Server 0.00008.

Submission:

Labcorp Genetics (formerly Invitae), Labcorp
Classification: Uncertain significance. Last evaluated: 2022-07-01. Review status: criteria provided, single submitter. Criteria: Invitae Variant Classification Sherloc (09022015). Collection method: clinical testing. Allele origin: germline.
Comment: In summary, the available evidence is currently insufficient to determine the role of this variant in disease. Therefore, it has been classified as a Variant of Uncertain Significance. Algorithms developed to predict the effect of missense changes on protein structure and function are either unavailable or do not agree on the potential impact of this missense change (SIFT: "Deleterious"; PolyPhen-2: "Probably Damaging"; Align-GVGD: "Class C0"). This variant has not been reported in the literature in individuals affected with STX3-related conditions. This variant is present in population databases (rs374026450, gnomAD 0.01%). This sequence change replaces arginine, which is basic and polar, with tryptophan, which is neutral and slightly polar, at codon 114 of the STX3 protein (p.Arg114Trp).

NM_004177.5(STX3):c.340C>T (p.Arg114Trp)

Gene: STX3 (syntaxin 3; plus strand). Cytogenetic location: 11q12.1.
Variant type: single nucleotide variant.
Coding change: c.340C>T on transcript NM_004177.5 (MANE Select); coding-DNA position 340, C replaced by T.
Protein change: p.Arg114Trp; replaces arginine 114 with tryptophan.
Molecular consequence: missense variant.
Genome position (GRCh38, 1-based): chr11:59,790,569, C>T. VCF-style: chr11-59790569-C-T. GRCh37 (hg19) VCF-style: chr11-59558042-C-T.
Other names: c.340C>T, p.Arg114Trp (NM_001178040.3); short protein forms R114W.
Identifiers: ClinVar variation 1976388 (VCV001976388.5), dbSNP rs374026450, ClinGen allele CA6020839.